The following is an entry in ClinVar:

ClinVar aggregate classification (germline): Uncertain significance (1 of 4 stars; one submission).

Submission:

Labcorp Genetics (formerly Invitae), Labcorp
Classification: Uncertain significance. Last evaluated: 2025-08-30. Review status: criteria provided, single submitter. Criteria: Invitae Variant Classification Sherloc (09022015). Collection method: clinical testing. Allele origin: germline.
Comment: This sequence change replaces arginine, which is basic and polar, with glutamine, which is neutral and polar, at codon 41 of the MRPS14 protein (p.Arg41Gln). This variant is not present in population databases (gnomAD no frequency). This variant has not been reported in the literature in individuals affected with MRPS14-related conditions. An algorithm developed to predict the effect of missense changes on protein structure and function (PolyPhen-2) suggests that this variant is likely to be tolerated. In summary, the available evidence is currently insufficient to determine the role of this variant in disease. Therefore, it has been classified as a Variant of Uncertain Significance.

NM_022100.3(MRPS14):c.122G>A (p.Arg41Gln)

Gene: MRPS14 (mitochondrial ribosomal protein S14; minus strand). Cytogenetic location: 1q25.1.
Variant type: single nucleotide variant.
Coding change: c.122G>A on transcript NM_022100.3 (MANE Select); coding-DNA position 122, G replaced by A.
Protein change: p.Arg41Gln; replaces arginine 41 with glutamine.
Molecular consequence: missense variant. On other transcripts: non-coding transcript variant (1).
Genome position (GRCh38, 1-based): chr1:175,018,500, C>T on the plus strand (G>A on the coding strand, the complement: MRPS14 is on the minus strand). VCF-style: chr1-175018500-C-T. GRCh37 (hg19) VCF-style: chr1-174987636-C-T.
Other names: short protein forms R41Q.
Identifiers: ClinVar variation 4764648 (VCV004764648.1).